The following is an entry in ClinVar:

ClinVar aggregate classification (germline): Likely benign. Review status: criteria provided, multiple submitters, no conflicts (2 of 4 stars). 4 submissions from 4 submitters: Likely benign (3). 1 of the submissions does not count toward it. Last evaluated 2026-01-08.

Conditions:
DNAH11-related disorder. Also called: DNAH11-related condition.
Primary ciliary dyskinesia. Also called: Ciliary dyskinesia. Identifiers: Orphanet 244, MedGen C0008780, MONDO:0016575, HP:0012265.

Allele frequency attached by ClinVar (database versions not stated): ESP Exome Variant Server 0.00008; ExAC 0.00013; gnomAD exomes 0.00013; gnomAD 0.00019; TOPMed 0.00021; 1000 Genomes Project 30x 0.00047; 1000 Genomes Project 0.00060.
gnomAD v4.1: 127 of 1,608,186 alleles (0.0079%); highest among the groups gnomAD compares: East Asian, 0.15%; no homozygotes.

Submissions (4):

Labcorp Genetics (formerly Invitae), Labcorp
Classification: Likely benign for Primary ciliary dyskinesia. Last evaluated: 2026-01-08. Review status: criteria provided, single submitter. Criteria: Invitae Variant Classification Sherloc (09022015). Collection method: clinical testing. Allele origin: germline.

Blueprint Genetics
Classification: Likely benign. Last evaluated: 2022-07-18. Review status: criteria provided, single submitter. Criteria: ACMG Guidelines, 2015. Collection method: clinical testing. Allele origin: germline.

Ambry Genetics
Classification: Likely benign for Primary ciliary dyskinesia. Last evaluated: 2022-07-06. Review status: criteria provided, single submitter. Criteria: Ambry Variant Classification Scheme 2023. Collection method: clinical testing. Allele origin: germline.

PreventionGenetics, part of Exact Sciences
Classification: Likely benign for DNAH11-related condition. Last evaluated: 2022-12-06. Review status: no assertion criteria provided. Collection method: clinical testing. Allele origin: germline. Not counted in ClinVar's aggregate classification.
Comment: This variant is classified as likely benign based on ACMG/AMP sequence variant interpretation guidelines (Richards et al. 2015 PMID: 25741868, with internal and published modifications).

NM_001277115.2(DNAH11):c.10245G>A (p.Ala3415=)

Gene: DNAH11 (dynein axonemal heavy chain 11; plus strand). Cytogenetic location: 7p15.3.
Variant type: single nucleotide variant.
Coding change: c.10245G>A on transcript NM_001277115.2 (MANE Select); coding-DNA position 10245, G replaced by A.
Protein change: p.Ala3415=; no amino-acid change (alanine 3415 retained).
Molecular consequence: synonymous variant.
Genome position (GRCh38, 1-based): chr7:21,807,962, G>A. VCF-style: chr7-21807962-G-A. GRCh37 (hg19) VCF-style: chr7-21847580-G-A.
Identifiers: ClinVar variation 1155251 (VCV001155251.14), dbSNP rs199799310, ClinGen allele CA4182294.
Genomic context (GRCh38, chr7:21,807,962, plus strand): 5'-ATCCATTAAGTCCTTTGAAGCTCAAGAGAAGACACTCTGTGGAGATGTTCTTCTCACGGC[G>A]GCATTTGTGTCTTACGTCGGACCCTTCACAAGGCAGTATCGCCAGGAGCTGGTGCACTGC-3'
Protein context (NP_001264044.1, residues 3405-3425): KTLCGDVLLT[Ala3415=]AFVSYVGPFT